The following is an entry in ClinVar:

ClinVar aggregate classification (germline): Uncertain significance (1 of 4 stars; one submission).

Conditions:
Ataxia-telangiectasia syndrome (AT). Also called: AT, COMPLEMENTATION GROUP C; Ataxia telangiectasia (A-T); LOUIS-BAR SYNDROME; Ataxia-telangiectasia, complementation group D; Ataxia-telangiectasia, complementation group E; ATAXIA-TELANGIECTASIA, COMPLEMENTATION GROUP A. Identifiers: Orphanet 100, MedGen C0004135, MONDO:0008840, OMIM 208900.

Submission:

Labcorp Genetics (formerly Invitae), Labcorp
Classification: Uncertain significance for Ataxia-telangiectasia syndrome. Last evaluated: 2022-02-21. Review status: criteria provided, single submitter. Criteria: Invitae Variant Classification Sherloc (09022015). Collection method: clinical testing. Allele origin: germline.
Comment: In summary, the available evidence is currently insufficient to determine the role of this variant in disease. Therefore, it has been classified as a Variant of Uncertain Significance. Advanced modeling of protein sequence and biophysical properties (such as structural, functional, and spatial information, amino acid conservation, physicochemical variation, residue mobility, and thermodynamic stability) performed at Invitae indicates that this missense variant is not expected to disrupt ATM protein function. This variant has not been reported in the literature in individuals affected with ATM-related conditions. This variant is not present in population databases (gnomAD no frequency). This sequence change replaces valine, which is neutral and non-polar, with alanine, which is neutral and non-polar, at codon 1734 of the ATM protein (p.Val1734Ala).

NM_000051.4(ATM):c.5201T>C (p.Val1734Ala)

Gene: ATM (ATM serine/threonine kinase; plus strand). Cytogenetic location: 11q22.3.
Variant type: single nucleotide variant.
Coding change: c.5201T>C on transcript NM_000051.4 (MANE Select); coding-DNA position 5201, T replaced by C.
Protein change: p.Val1734Ala; replaces valine 1734 with alanine.
Molecular consequence: missense variant.
Genome position (GRCh38, 1-based): chr11:108,301,671, T>C. VCF-style: chr11-108301671-T-C. GRCh37 (hg19) VCF-style: chr11-108172398-T-C.
Other names: c.5201T>C, p.Val1734Ala (NM_001351834.2); short protein forms V1734A.
Identifiers: ClinVar variation 2100931 (VCV002100931.4), dbSNP rs2135912292, ClinGen allele CA382542196.